The following is an entry in ClinVar:

NM_000142.5(FGFR3):c.1676C>T (p.Ala559Val)

Gene: FGFR3 (fibroblast growth factor receptor 3; plus strand). Cytogenetic location: 4p16.3.
Variant type: single nucleotide variant.
Coding change: c.1676C>T on transcript NM_000142.5 (MANE Select); coding-DNA position 1676, C replaced by T.
Protein change: p.Ala559Val; replaces alanine 559 with valine.
Molecular consequence: missense variant. On other transcripts: non-coding transcript variant (1).
Genome position (GRCh38, 1-based): chr4:1,805,780, C>T. VCF-style: chr4-1805780-C-T. GRCh37 (hg19) VCF-style: chr4-1807507-C-T.
Other names: c.1682C>T, p.Ala561Val (NM_001163213.2); c.1679C>T, p.Ala560Val (NM_001354809.2, NM_001354810.2); c.1340C>T, p.Ala447Val (NM_022965.4); short protein forms A447V, A559V, A560V, A561V.
Identifiers: ClinVar variation 1193773 (VCV001193773.10), dbSNP rs775946807, ClinGen allele CA2810540.

ClinVar aggregate classification (germline): Uncertain significance. Review status: criteria provided, multiple submitters, no conflicts (2 of 4 stars). 3 submissions from 3 submitters: Uncertain significance (3). Last evaluated 2026-05-12.

Allele frequency attached by ClinVar (database versions not stated): gnomAD exomes 0.00001 and 0.00002; ExAC 0.00003; gnomAD 0.00009; TOPMed 0.00009.
gnomAD v4.1: 23 of 1,612,500 alleles (0.0014%); highest among the groups gnomAD compares: African/African-American, 0.028%; no homozygotes.

Submissions (3):

Women's Health and Genetics/Laboratory Corporation of America, LabCorp
Classification: Uncertain significance. Last evaluated: 2026-05-12. Review status: criteria provided, single submitter. Criteria: LabCorp Variant Classification Summary - May 2015. Collection method: clinical testing. Allele origin: germline.

GeneDx
Classification: Uncertain significance. Last evaluated: 2024-09-06. Review status: criteria provided, single submitter. Criteria: GeneDx Variant Classification Process June 2021. Collection method: clinical testing. Allele origin: germline. Affected: yes.
Comment: In silico analysis supports that this missense variant has a deleterious effect on protein structure/function; Has not been previously published as pathogenic or benign to our knowledge

Labcorp Genetics (formerly Invitae), Labcorp
Classification: Uncertain significance. Last evaluated: 2023-12-06. Review status: criteria provided, single submitter. Criteria: Invitae Variant Classification Sherloc (09022015). Collection method: clinical testing. Allele origin: germline.
Comment: This sequence change replaces alanine, which is neutral and non-polar, with valine, which is neutral and non-polar, at codon 559 of the FGFR3 protein (p.Ala559Val). This variant is present in population databases (rs775946807, gnomAD 0.05%). This variant has not been reported in the literature in individuals affected with FGFR3-related conditions. ClinVar contains an entry for this variant (Variation ID: 1193773). Advanced modeling of protein sequence and biophysical properties (such as structural, functional, and spatial information, amino acid conservation, physicochemical variation, residue mobility, and thermodynamic stability) has been performed at Invitae for this missense variant, however the output from this modeling did not meet the statistical confidence thresholds required to predict the impact of this variant on FGFR3 protein function. In summary, the available evidence is currently insufficient to determine the role of this variant in disease. Therefore, it has been classified as a Variant of Uncertain Significance.